The following is an entry in ClinVar:

NM_015378.4(VPS13D):c.1029G>A (p.Leu343=)

Gene: VPS13D (vacuolar protein sorting 13 homolog D; plus strand). Cytogenetic location: 1p36.22.
Variant type: single nucleotide variant.
Coding change: c.1029G>A on transcript NM_015378.4 (MANE Select); coding-DNA position 1029, G replaced by A.
Protein change: p.Leu343=; no amino-acid change (leucine 343 retained).
Molecular consequence: synonymous variant.
Genome position (GRCh38, 1-based): chr1:12,258,022, G>A. VCF-style: chr1-12258022-G-A. GRCh37 (hg19) VCF-style: chr1-12318079-G-A.
Other names: p.Leu343=; c.1029G>A, p.Leu343= (NM_018156.4); c.1029G>A (NM_015378.3).
Identifiers: ClinVar variation 1573946 (VCV001573946.36), dbSNP rs145431020, ClinGen allele CA601401.

ClinVar aggregate classification (germline): Benign/Likely benign. Review status: criteria provided, multiple submitters, no conflicts (2 of 4 stars). 6 submissions from 6 submitters: Benign (3); Likely benign (2). 1 of the submissions does not count toward it. Last evaluated 2026-07-01.

Conditions:
VPS13D-related disorder. Also called: VPS13D-related condition.

Allele frequency attached by ClinVar (database versions not stated): 1000 Genomes Project 30x 0.00156; 1000 Genomes Project 0.00160; TOPMed 0.00165; gnomAD 0.00206 and 0.00207; ESP Exome Variant Server 0.00208; gnomAD exomes 0.00256 and 0.00335; ExAC 0.00292.
gnomAD v4.1: 5,146 of 1,614,206 alleles (0.32%); highest among the groups gnomAD compares: South Asian, 0.67%; 19 homozygotes.

Submissions (6):

CeGaT Center for Human Genetics Tuebingen
Classification: Likely benign. Last evaluated: 2026-07-01. Review status: criteria provided, single submitter. Criteria: CeGaT Center For Human Genetics Tuebingen Variant Classification Criteria Version 2. Collection method: clinical testing. Allele origin: germline. Affected: yes. Observed: 12 variant alleles.
Comment: VPS13D: BP4, BP7, BS2

Labcorp Genetics (formerly Invitae), Labcorp
Classification: Benign. Last evaluated: 2026-01-27. Review status: criteria provided, single submitter. Criteria: Invitae Variant Classification Sherloc (09022015). Collection method: clinical testing. Allele origin: germline.

Blueprint Genetics
Classification: Likely benign. Last evaluated: 2024-11-08. Review status: criteria provided, single submitter. Criteria: ACMG Guidelines, 2015. Collection method: clinical testing. Allele origin: germline.

Mayo Clinic Laboratories, Mayo Clinic
Classification: Benign. Last evaluated: 2023-01-13. Review status: criteria provided, single submitter. Criteria: ACMG Guidelines, 2015. Collection method: clinical testing. Allele origin: germline. Observed: 13 variant alleles.
Comment: BS1, BS2, BP4, BP7

Breakthrough Genomics
Classification: Benign. Review status: criteria provided, single submitter. Criteria: ACMG Guidelines, 2015. Collection method: not provided. Allele origin: germline. Inheritance: Autosomal recessive inheritance. Affected: yes.

PreventionGenetics, part of Exact Sciences
Classification: Likely benign for VPS13D-related condition. Last evaluated: 2019-04-04. Review status: no assertion criteria provided. Collection method: clinical testing. Allele origin: germline. Not counted in ClinVar's aggregate classification.
Comment: This variant is classified as likely benign based on ACMG/AMP sequence variant interpretation guidelines (Richards et al. 2015 PMID: 25741868, with internal and published modifications).